The following is an entry in ClinVar:

ClinVar aggregate classification (germline): Uncertain significance (1 of 4 stars; one submission).

Allele frequency attached by ClinVar (database versions not stated): gnomAD exomes below 0.00001; ExAC 0.00001; TOPMed 0.00001.
gnomAD v4.1: 5 of 1,614,182 alleles (0.00031%); highest among the groups gnomAD compares: East Asian, 0.0022%; no homozygotes.

Submission:

Labcorp Genetics (formerly Invitae), Labcorp
Classification: Uncertain significance. Last evaluated: 2023-08-19. Review status: criteria provided, single submitter. Criteria: Invitae Variant Classification Sherloc (09022015). Collection method: clinical testing. Allele origin: germline.
Comment: This variant is present in population databases (rs751092234, gnomAD 0.0009%). In summary, the available evidence is currently insufficient to determine the role of this variant in disease. Therefore, it has been classified as a Variant of Uncertain Significance. An algorithm developed to predict the effect of missense changes on protein structure and function (PolyPhen-2) suggests that this variant is likely to be tolerated. This variant has not been reported in the literature in individuals affected with FAT2-related conditions. This sequence change replaces arginine, which is basic and polar, with glutamine, which is neutral and polar, at codon 3663 of the FAT2 protein (p.Arg3663Gln).

NM_001447.3(FAT2):c.10988G>A (p.Arg3663Gln)

Genes: FAT2 (FAT atypical cadherin 2; minus strand), SLC36A1 (solute carrier family 36 member 1; plus strand). Cytogenetic location: 5q33.1.
Variant type: single nucleotide variant.
Coding change: c.10988G>A on transcript NM_001447.3 (MANE Select); coding-DNA position 10988, G replaced by A.
Protein change: p.Arg3663Gln; replaces arginine 3663 with glutamine.
Molecular consequence: missense variant.
Genome position (GRCh38, 1-based): chr5:151,521,605, C>T on the plus strand (G>A on the coding strand, the complement: FAT2 is on the minus strand). VCF-style: chr5-151521605-C-T. GRCh37 (hg19) VCF-style: chr5-150901166-C-T.
Other names: short protein forms R3663Q.
Identifiers: ClinVar variation 2875570 (VCV002875570.3), dbSNP rs751092234, ClinGen allele CA3520115.